The following is an entry in ClinVar:

ClinVar aggregate classification (germline): Uncertain significance (1 of 4 stars; one submission).

Conditions:
Diamond-Blackfan anemia. Also called: Blackfan Diamond syndrome; Aregenerative anemia chronic congenital; Red cell aplasia, pure hereditary; Congenital hypoplastic anemia; Aase syndrome. Identifiers: Orphanet 124, MedGen C1260899, MeSH D029503, MONDO:0015253, HP:0004810.

Submission:

Ambry Genetics
Classification: Uncertain significance for Diamond-Blackfan anemia. Last evaluated: 2017-07-01. Review status: criteria provided, single submitter. Criteria: Ambry Variant Classification Scheme 2023. Collection method: clinical testing. Allele origin: germline.
Comment: The c.86_103del18 variant is located in coding exon 3 of the RPS24 gene. This variant results from an in-frame ACCCCGGGAAGGCGACAG deletion at nucleotide positions 86 to 103. This results in the sustitution of seven amino acids between codons 29 and 35 for a Leucine. Since supporting evidence is limited at this time, the clinical significance of this alteration remains unclear.

NM_033022.4(RPS24):c.86_103del (p.His29_Val35delinsLeu)

Gene: RPS24 (ribosomal protein S24; plus strand). Cytogenetic location: 10q22.3.
Variant type: Deletion.
Coding change: c.86_103del on transcript NM_033022.4 (MANE Select); coding-DNA positions 86 to 103, 18 bases deleted (ACCCCGGGAAGGCGACAG).
Protein change: p.His29_Val35delinsLeu.
Molecular consequence: inframe indel.
Genome position (GRCh38, 1-based): chr10:78,035,527-78,035,544, ACCCCGGGAAGGCGACAG deleted. VCF-style (leftmost placement, unchanged base first): chr10-78035526-CACCCCGGGAAGGCGACAG-C. GRCh37 (hg19) VCF-style: chr10-79795284-CACCCCGGGAAGGCGACAG-C.
Other names: c.86_103del, p.His29_Val35delinsLeu (NM_001026.5, NM_001142282.2, NM_001142283.2 and 2 more transcripts).
Identifiers: ClinVar variation 1764016 (VCV001764016.2), dbSNP rs2493280977, ClinGen allele CA2580082004.